The following is an entry in ClinVar:

ClinVar aggregate classification (germline): Uncertain significance. Review status: criteria provided, multiple submitters, no conflicts (2 of 4 stars). 2 submissions from 2 submitters: Uncertain significance (2). Last evaluated 2025-05-25.

Conditions:
Hereditary cancer-predisposing syndrome. Also called: Hereditary Cancer Syndrome; Hereditary neoplastic syndrome; Tumor predisposition; Neoplastic Syndromes, Hereditary. Identifiers: Orphanet 140162, MedGen C0027672, MeSH D009386, MONDO:0015356.
Neuroblastoma, susceptibility to, 3. Also called: ALK-Related Neuroblastic Tumor Susceptibility. Identifiers: Orphanet 635, MedGen C2751681, MONDO:0013083, OMIM 613014.

Submissions (2):

Ambry Genetics
Classification: Uncertain significance for Hereditary cancer-predisposing syndrome. Last evaluated: 2025-05-25. Review status: criteria provided, single submitter. Criteria: Ambry Variant Classification Scheme 2023. Collection method: clinical testing. Allele origin: germline.
Comment: The p.W614G variant (also known as c.1840T>G), located in coding exon 10 of the ALK gene, results from a T to G substitution at nucleotide position 1840. The tryptophan at codon 614 is replaced by glycine, an amino acid with highly dissimilar properties. This amino acid position is conserved. In addition, the in silico prediction for this alteration is inconclusive. Based on the available evidence, the clinical significance of this variant remains unclear.

Labcorp Genetics (formerly Invitae), Labcorp
Classification: Uncertain significance for Neuroblastoma, susceptibility to, 3. Last evaluated: 2024-11-02. Review status: criteria provided, single submitter. Criteria: Invitae Variant Classification Sherloc (09022015). Collection method: clinical testing. Allele origin: germline.
Comment: This sequence change replaces tryptophan, which is neutral and slightly polar, with glycine, which is neutral and non-polar, at codon 614 of the ALK protein (p.Trp614Gly). This variant is not present in population databases (gnomAD no frequency). This variant has not been reported in the literature in individuals affected with ALK-related conditions. ClinVar contains an entry for this variant (Variation ID: 2780097). An algorithm developed to predict the effect of missense changes on protein structure and function (PolyPhen-2) suggests that this variant is likely to be disruptive. In summary, the available evidence is currently insufficient to determine the role of this variant in disease. Therefore, it has been classified as a Variant of Uncertain Significance.

NM_004304.5(ALK):c.1840T>G (p.Trp614Gly)

Gene: ALK (ALK receptor tyrosine kinase; minus strand). Cytogenetic location: 2p23.2.
Variant type: single nucleotide variant.
Coding change: c.1840T>G on transcript NM_004304.5 (MANE Select); coding-DNA position 1840, T replaced by G.
Protein change: p.Trp614Gly; replaces tryptophan 614 with glycine.
Molecular consequence: missense variant.
Genome position (GRCh38, 1-based): chr2:29,275,474, A>C on the plus strand (T>G on the coding strand, the complement: ALK is on the minus strand). VCF-style: chr2-29275474-A-C. GRCh37 (hg19) VCF-style: chr2-29498340-A-C.
Other names: c.1840T>G (NM_004304.4); short protein forms W614G.
Identifiers: ClinVar variation 2780097 (VCV002780097.4), dbSNP rs2465332264, ClinGen allele CA346480008.